The following is an entry in ClinVar:

ClinVar aggregate classification (germline): Uncertain significance (1 of 4 stars; one submission).

gnomAD v4.1: 2 of 1,611,848 alleles (0.00012%); highest among the groups gnomAD compares: Non-Finnish European, 0.00017%; no homozygotes.

Submission:

Labcorp Genetics (formerly Invitae), Labcorp
Classification: Uncertain significance. Last evaluated: 2024-05-02. Review status: criteria provided, single submitter. Criteria: Invitae Variant Classification Sherloc (09022015). Collection method: clinical testing. Allele origin: germline.
Comment: This sequence change replaces glutamine, which is neutral and polar, with arginine, which is basic and polar, at codon 314 of the POC5 protein (p.Gln314Arg). The frequency data for this variant in the population databases is considered unreliable, as metrics indicate poor data quality at this position in the gnomAD database. This variant has not been reported in the literature in individuals affected with POC5-related conditions. An algorithm developed to predict the effect of missense changes on protein structure and function (PolyPhen-2) suggests that this variant is likely to be disruptive. In summary, the available evidence is currently insufficient to determine the role of this variant in disease. Therefore, it has been classified as a Variant of Uncertain Significance.

NM_001099271.2(POC5):c.941A>G (p.Gln314Arg)

Gene: POC5 (POC5 centriolar protein; minus strand). Cytogenetic location: 5q13.3.
Variant type: single nucleotide variant.
Coding change: c.941A>G on transcript NM_001099271.2 (MANE Select); coding-DNA position 941, A replaced by G.
Protein change: p.Gln314Arg; replaces glutamine 314 with arginine.
Molecular consequence: missense variant.
Genome position (GRCh38, 1-based): chr5:75,690,417, T>C on the plus strand (A>G on the coding strand, the complement: POC5 is on the minus strand). VCF-style: chr5-75690417-T-C. GRCh37 (hg19) VCF-style: chr5-74986242-T-C.
Other names: c.866A>G, p.Gln289Arg (NM_152408.3); short protein forms Q289R, Q314R.
Identifiers: ClinVar variation 3693046 (VCV003693046.2).